The following is an entry in ClinVar:

NM_000051.4(ATM):c.6857G>T (p.Cys2286Phe)

Genes: ATM (ATM serine/threonine kinase; plus strand), C11orf65 (chromosome 11 open reading frame 65; minus strand). Cytogenetic location: 11q22.3.
Variant type: single nucleotide variant.
Coding change: c.6857G>T on transcript NM_000051.4 (MANE Select); coding-DNA position 6857, G replaced by T.
Protein change: p.Cys2286Phe; replaces cysteine 2286 with phenylalanine.
Molecular consequence: missense variant. On other transcripts: intron variant (2).
Genome position (GRCh38, 1-based): chr11:108,326,107, G>T. VCF-style: chr11-108326107-G-T. GRCh37 (hg19) VCF-style: chr11-108196834-G-T.
Other names: c.6857G>T, p.Cys2286Phe (NM_001351834.2); c.641-17036C>A (NM_001330368.2); c.*38+9113C>A (NM_001351110.2); short protein forms C2286F.
Identifiers: ClinVar variation 1005285 (VCV001005285.9), dbSNP rs786203052, ClinGen allele CA382556702.
Genomic context (GRCh38, chr11:108,326,107, plus strand): 5'-TTTCATTTCAGCTCCCTGAAAGGGCAATATTTCAAATTAAACAGTACAATTCAGTTAGCT[G>T]TGGAGTCTCTGAGTGGCAGCTGGAAGAAGCACAAGTATTCTGGGCAAAAAAGGAGCAGAG-3'
Protein context (NP_000042.3, residues 2276-2296): FQIKQYNSVS[Cys2286Phe]GVSEWQLEEA

ClinVar aggregate classification (germline): Uncertain significance (1 of 4 stars; one submission).

Conditions:
Ataxia-telangiectasia syndrome (AT). Also called: Ataxia-telangiectasia, complementation group D; AT, COMPLEMENTATION GROUP C; ATAXIA-TELANGIECTASIA, COMPLEMENTATION GROUP A; ATAXIA-TELANGIECTASIA, FRESNO VARIANT; Ataxia-telangiectasia; Ataxia telangiectasia (A-T). Identifiers: Orphanet 100, MedGen C0004135, MONDO:0008840, OMIM 208900.

Submission:

Labcorp Genetics (formerly Invitae), Labcorp
Classification: Uncertain significance for Ataxia-telangiectasia syndrome. Last evaluated: 2024-09-06. Review status: criteria provided, single submitter. Criteria: Invitae Variant Classification Sherloc (09022015). Collection method: clinical testing. Allele origin: germline.
Comment: This sequence change replaces cysteine, which is neutral and slightly polar, with phenylalanine, which is neutral and non-polar, at codon 2286 of the ATM protein (p.Cys2286Phe). This variant is not present in population databases (gnomAD no frequency). This variant has not been reported in the literature in individuals affected with ATM-related conditions. ClinVar contains an entry for this variant (Variation ID: 1005285). An algorithm developed to predict the effect of missense changes on protein structure and function (PolyPhen-2) suggests that this variant is likely to be tolerated. In summary, the available evidence is currently insufficient to determine the role of this variant in disease. Therefore, it has been classified as a Variant of Uncertain Significance.